The following is an entry in ClinVar:

NM_001135608.3(ARHGAP26):c.1245T>G (p.Gly415=)

Gene: ARHGAP26 (Rho GTPase activating protein 26; plus strand). Cytogenetic location: 5q31.3.
Variant type: single nucleotide variant.
Coding change: c.1245T>G on transcript NM_001135608.3 (MANE Select); coding-DNA position 1245, T replaced by G.
Protein change: p.Gly415=; no amino-acid change (glycine 415 retained).
Molecular consequence: synonymous variant. On other transcripts: non-coding transcript variant (1).
Genome position (GRCh38, 1-based): chr5:143,041,850, T>G. VCF-style: chr5-143041850-T-G. GRCh37 (hg19) VCF-style: chr5-142421415-T-G.
Other names: c.1137T>G, p.Gly379= (NM_001349547.2); c.1245T>G, p.Gly415= (NM_015071.6).
Identifiers: ClinVar variation 3060469 (VCV003060469.2), dbSNP rs2270068, ClinGen allele CA3486272.

ClinVar aggregate classification (germline): Benign (0 of 4 stars; one submission).

Conditions:
ARHGAP26-related disorder. Also called: ARHGAP26-related condition.

Allele frequency attached by ClinVar (database versions not stated): 1000 Genomes Project 0.88818; 1000 Genomes Project 30x 0.89522; ExAC 0.96193; TOPMed 0.97123; gnomAD 0.97612; gnomAD exomes 0.98330; ESP Exome Variant Server 0.99831.
gnomAD v4.1: 1,575,881 of 1,604,490 alleles (98%); highest among the groups gnomAD compares: Non-Finnish European, 100%; 778,556 homozygotes.

Submission:

PreventionGenetics, part of Exact Sciences
Classification: Benign for ARHGAP26-related condition. Last evaluated: 2019-10-17. Review status: no assertion criteria provided. Collection method: clinical testing. Allele origin: germline.
Comment: This variant is classified as benign based on ACMG/AMP sequence variant interpretation guidelines (Richards et al. 2015 PMID: 25741868, with internal and published modifications).